The following is an entry in ClinVar:

ClinVar aggregate classification (germline): Pathogenic (1 of 4 stars; one submission).

Conditions:
Primary CD59 deficiency. Also called: HEMOLYTIC ANEMIA, CD59-MEDIATED; CD59-mediated hemolytic anemia with or without immune-mediated polyneuropathy. Identifiers: Orphanet 169464, MedGen C2676767, MONDO:0012858, OMIM 612300.

gnomAD v4.1: 1 of 1,613,156 alleles (0.000062%); highest among the groups gnomAD compares: Non-Finnish European, 0.000085%; no homozygotes.

Submission:

Women's Health and Genetics/Laboratory Corporation of America, LabCorp
Classification: Pathogenic for Primary CD59 deficiency. Last evaluated: 2026-04-15. Review status: criteria provided, single submitter. Criteria: LabCorp Variant Classification Summary - May 2015. Collection method: clinical testing. Allele origin: germline.
Comment: Variant summary: CD59 c.146A>T (p.Asp49Val) results in a non-conservative amino acid change in the encoded protein sequence. Algorithms developed to predict the effect of missense changes on protein structure and function are either unavailable or do not agree on the potential impact of this missense change. The variant was absent in 251076 control chromosomes (gnomAD). c.146A>T has been observed in multiple individuals affected with Primary CD59 deficiency, showing evidence of cosegregation with disease (e.g. Haliloglu_2015). These data indicate that the variant is very likely to be associated with disease. The following publication has been ascertained in the context of this evaluation (PMID: 25716358). No submitters have cited clinical-significance assessments for this variant to ClinVar. Based on the evidence outlined above, the variant was classified as pathogenic.

Literature cited by the submitters: PubMed 25716358.

NM_000611.6(CD59):c.146A>T (p.Asp49Val)

Gene: CD59 (CD59 molecule (CD59 blood group); minus strand). Cytogenetic location: 11p13.
Variant type: single nucleotide variant.
Coding change: c.146A>T on transcript NM_000611.6 (MANE Select); coding-DNA position 146, A replaced by T.
Protein change: p.Asp49Val; replaces aspartic acid 49 with valine.
Molecular consequence: missense variant.
Genome position (GRCh38, 1-based): chr11:33,717,393, T>A on the plus strand (A>T on the coding strand, the complement: CD59 is on the minus strand). VCF-style: chr11-33717393-T-A. GRCh37 (hg19) VCF-style: chr11-33738939-T-A.
Other names: c.146A>T, p.Asp49Val (NM_001127223.1, NM_001127225.2, NM_001127226.2 and 4 more transcripts); short protein forms D49V.
Identifiers: ClinVar variation 4848546 (VCV004848546.1).